The following is an entry in ClinVar:

ClinVar aggregate classification (germline): Pathogenic. Review status: criteria provided, multiple submitters, no conflicts (2 of 4 stars). 2 submissions from 2 submitters: Pathogenic (2). Last evaluated 2025-08-19.

Conditions:
Primary ciliary dyskinesia. Also called: Ciliary dyskinesia. Identifiers: Orphanet 244, MedGen C0008780, MONDO:0016575, HP:0012265.

Submissions (2):

Labcorp Genetics (formerly Invitae), Labcorp
Classification: Pathogenic for Primary ciliary dyskinesia. Last evaluated: 2025-08-19. Review status: criteria provided, single submitter. Criteria: Invitae Variant Classification Sherloc (09022015). Collection method: clinical testing. Allele origin: germline.
Comment: This sequence change creates a premature translational stop signal (p.Thr264Asnfs*11) in the DNAH5 gene. It is expected to result in an absent or disrupted protein product. Loss-of-function variants in DNAH5 are known to be pathogenic (PMID: 11788826, 16627867). This variant is present in population databases (no rsID available, gnomAD 0.0009%). This variant has not been reported in the literature in individuals affected with DNAH5-related conditions. For these reasons, this variant has been classified as Pathogenic.

Ambry Genetics
Classification: Pathogenic for Primary ciliary dyskinesia. Last evaluated: 2015-10-20. Review status: criteria provided, single submitter. Criteria: Ambry Variant Classification Scheme 2023. Collection method: clinical testing. Allele origin: germline.
Comment: The c.791_794delCAGA pathogenic mutation, located in coding exon 6 of the DNAH5 gene, results from a deletion of 4 nucleotides between nucleotide positions 791 and 794, causing a translational frameshift with a predicted alternate stop codon (p.T264Nfs*11). Since frameshifts are typically deleterious in nature, this alteration is interpreted as a disease-causing mutation (ACMG Recommendations for Standards for Interpretation and Reporting of Sequence Variations. Revision 2007. Genet Med. 2008;10:294).

Literature cited by the submitters: PubMed 11788826 (cited by Labcorp Genetics (formerly Invitae), Labcorp); PubMed 16627867 (cited by Labcorp Genetics (formerly Invitae), Labcorp).

NM_001369.3(DNAH5):c.791_794del (p.Thr264fs)

Gene: DNAH5 (dynein axonemal heavy chain 5; minus strand). Cytogenetic location: 5p15.2.
Variant type: Microsatellite.
Coding change: c.791_794del on transcript NM_001369.3 (MANE Select); coding-DNA positions 791 to 794, 4 bases deleted (CAGA; older notation c.791_794delCAGA).
Protein change: p.Thr264fs; shifts the reading frame from threonine 264.
Molecular consequence: frameshift variant.
Genome position (GRCh38, 1-based): chr5:13,920,484-13,920,487, TCTG deleted on the plus strand (CAGA on the coding strand, the reverse complement: DNAH5 is on the minus strand); deleting any 4 consecutive bases within chr5:13,920,484-13,920,492 gives the same sequence; the c. name uses the placement nearest the transcript's 3' end. VCF-style (leftmost placement, unchanged base first): chr5-13920483-TTCTG-T. GRCh37 (hg19) VCF-style: chr5-13920592-TTCTG-T.
Other names: c.791_794delCAGA (NM_001369.2); short protein forms T264fs.
Identifiers: ClinVar variation 566807 (VCV000566807.9), dbSNP rs1391084505, ClinGen allele CA557875557.